The following is an entry in ClinVar:

ClinVar aggregate classification (germline): Uncertain significance (1 of 4 stars; one submission).

Conditions:
POLD1-related polyposis and colorectal cancer syndrome (CRCS10). Also called: COLORECTAL CANCER, SUSCEPTIBILITY TO, ON CHROMOSOME 19q; Colorectal cancer 10; Colorectal cancer, susceptibility to, 10. Identifiers: Orphanet 220460, MedGen C2675481, MONDO:0012953, OMIM 612591.

Submission:

Labcorp Genetics (formerly Invitae), Labcorp
Classification: Uncertain significance for POLD1-related polyposis and colorectal cancer syndrome. Last evaluated: 2025-09-22. Review status: criteria provided, single submitter. Criteria: Invitae Variant Classification Sherloc (09022015). Collection method: clinical testing. Allele origin: germline.
Comment: This sequence change replaces phenylalanine, which is neutral and non-polar, with valine, which is neutral and non-polar, at codon 156 of the POLD1 protein (p.Phe156Val). This variant is not present in population databases (gnomAD no frequency). This variant has not been reported in the literature in individuals affected with POLD1-related conditions. An algorithm developed to predict the effect of missense changes on protein structure and function (PolyPhen-2) suggests that this variant is likely to be disruptive. In summary, the available evidence is currently insufficient to determine the role of this variant in disease. Therefore, it has been classified as a Variant of Uncertain Significance.

NM_002691.4(POLD1):c.466T>G (p.Phe156Val)

Gene: POLD1 (DNA polymerase delta 1, catalytic subunit; plus strand). Cytogenetic location: 19q13.33.
Variant type: single nucleotide variant.
Coding change: c.466T>G on transcript NM_002691.4 (MANE Select); coding-DNA position 466, T replaced by G.
Protein change: p.Phe156Val; replaces phenylalanine 156 with valine.
Molecular consequence: missense variant. On other transcripts: non-coding transcript variant (1).
Genome position (GRCh38, 1-based): chr19:50,402,001, T>G. VCF-style: chr19-50402001-T-G. GRCh37 (hg19) VCF-style: chr19-50905258-T-G.
Other names: c.466T>G, p.Phe156Val (NM_001256849.1, NM_001308632.1, NM_001438210.1 and 3 more transcripts); short protein forms F156V.
Identifiers: ClinVar variation 4727631 (VCV004727631.1).
Genomic context (GRCh38, chr19:50,402,001, plus strand): 5'-CAGCCCCTCCCTGAGCCACTGGAGCCCCCTGCACCTCTGATCATCCCTCCCACACCAGGT[T>G]TCGGGCCCGAGCACATGGGTGACCTGCAACGGGAGCTGAACTTGGCCATCAGCCGGGACA-3'
Protein context (NP_002682.2, residues 146-166): PYFYTPAPPG[Phe156Val]GPEHMGDLQR